The following is an entry in ClinVar:

NM_003105.6(SORL1):c.1312A>T (p.Met438Leu)

Gene: SORL1 (sortilin related receptor 1; plus strand). Cytogenetic location: 11q24.1.
Variant type: single nucleotide variant.
Coding change: c.1312A>T on transcript NM_003105.6 (MANE Select); coding-DNA position 1312, A replaced by T.
Protein change: p.Met438Leu; replaces methionine 438 with leucine.
Molecular consequence: missense variant.
Genome position (GRCh38, 1-based): chr11:121,520,757, A>T. VCF-style: chr11-121520757-A-T. GRCh37 (hg19) VCF-style: chr11-121391466-A-T.
Other names: short protein forms M438L.
Identifiers: ClinVar variation 1383174 (VCV001383174.6), dbSNP rs774053907, ClinGen allele CA229863101.
Genomic context (GRCh38, chr11:121,520,757, plus strand): 5'-GAAGGATTGCAAGGAGTCTACATTGCTACTCTGATTAATGGTTCTATGAATGAGGAGAAC[A>T]TGAGATCGGTCATCACCTTTGACAAAGGGGGAACCTGGGAGTTTCTTCAGGCTCCAGCCT-3'
Protein context (NP_003096.2, residues 428-448): LINGSMNEEN[Met438Leu]RSVITFDKGG

ClinVar aggregate classification (germline): Uncertain significance (1 of 4 stars; one submission).

Allele frequency attached by ClinVar (database versions not stated): TOPMed below 0.00001; gnomAD 0.00001.
gnomAD v4.1: 1 of 1,613,178 alleles (0.000062%); highest among the groups gnomAD compares: Non-Finnish European, 0.000085%; no homozygotes.

Submission:

Labcorp Genetics (formerly Invitae), Labcorp
Classification: Uncertain significance. Last evaluated: 2021-09-25. Review status: criteria provided, single submitter. Criteria: Invitae Variant Classification Sherloc (09022015). Collection method: clinical testing. Allele origin: germline.
Comment: Algorithms developed to predict the effect of missense changes on protein structure and function are either unavailable or do not agree on the potential impact of this missense change (SIFT: "Tolerated"; PolyPhen-2: "Possibly Damaging"; Align-GVGD: "Class C0"). This variant has not been reported in the literature in individuals affected with SORL1-related conditions. This variant is not present in population databases (ExAC no frequency). This sequence change replaces methionine with leucine at codon 438 of the SORL1 protein (p.Met438Leu). The methionine residue is highly conserved and there is a small physicochemical difference between methionine and leucine. In summary, the available evidence is currently insufficient to determine the role of this variant in disease. Therefore, it has been classified as a Variant of Uncertain Significance.